The following is an entry in ClinVar:

ClinVar aggregate classification (germline): Uncertain significance (1 of 4 stars; one submission).

Submission:

GeneDx
Classification: Uncertain significance. Last evaluated: 2024-08-14. Review status: criteria provided, single submitter. Criteria: GeneDx Variant Classification Process June 2021. Collection method: clinical testing. Allele origin: germline. Affected: yes.
Comment: Not observed at significant frequency in large population cohorts (gnomAD); In silico analysis indicates that this missense variant does not alter protein structure/function; Has not been previously published as pathogenic or benign to our knowledge

NM_001111125.3(IQSEC2):c.156C>G (p.Asp52Glu)

Gene: IQSEC2 (IQ motif and Sec7 domain ArfGEF 2; minus strand). Cytogenetic location: Xp11.22.
Variant type: single nucleotide variant.
Coding change: c.156C>G on transcript NM_001111125.3 (MANE Select); coding-DNA position 156, C replaced by G.
Protein change: p.Asp52Glu; replaces aspartic acid 52 with glutamic acid.
Molecular consequence: missense variant.
Genome position (GRCh38, 1-based): chrX:53,320,968, G>C on the plus strand (C>G on the coding strand, the complement: IQSEC2 is on the minus strand). VCF-style: chrX-53320968-G-C. GRCh37 (hg19) VCF-style: chrX-53350166-G-C.
Other names: c.156C>G, p.Asp52Glu (NM_001410736.1); short protein forms D52E.
Identifiers: ClinVar variation 3730988 (VCV003730988.1).